The following is an entry in ClinVar:

NM_020754.4(ARHGAP31):c.698T>G (p.Met233Arg)

Gene: ARHGAP31 (Rho GTPase activating protein 31; plus strand). Cytogenetic location: 3q13.33.
Variant type: single nucleotide variant.
Coding change: c.698T>G on transcript NM_020754.4 (MANE Select); coding-DNA position 698, T replaced by G.
Protein change: p.Met233Arg; replaces methionine 233 with arginine.
Molecular consequence: missense variant.
Genome position (GRCh38, 1-based): chr3:119,390,800, T>G. VCF-style: chr3-119390800-T-G. GRCh37 (hg19) VCF-style: chr3-119109647-T-G.
Other names: short protein forms M233R.
Identifiers: ClinVar variation 2132327 (VCV002132327.4), dbSNP rs2472843934, ClinGen allele CA354031254.

ClinVar aggregate classification (germline): Uncertain significance (1 of 4 stars; one submission).

Submission:

Labcorp Genetics (formerly Invitae), Labcorp
Classification: Uncertain significance. Last evaluated: 2023-11-27. Review status: criteria provided, single submitter. Criteria: Invitae Variant Classification Sherloc (09022015). Collection method: clinical testing. Allele origin: germline.
Comment: This sequence change replaces methionine, which is neutral and non-polar, with arginine, which is basic and polar, at codon 233 of the ARHGAP31 protein (p.Met233Arg). This variant is not present in population databases (gnomAD no frequency). This variant has not been reported in the literature in individuals affected with ARHGAP31-related conditions. ClinVar contains an entry for this variant (Variation ID: 2132327). An algorithm developed to predict the effect of missense changes on protein structure and function (PolyPhen-2) suggests that this variant is likely to be tolerated. In summary, the available evidence is currently insufficient to determine the role of this variant in disease. Therefore, it has been classified as a Variant of Uncertain Significance.